The following is an entry in ClinVar:

NM_000540.3(RYR1):c.10525C>T (p.Leu3509=)

Gene: RYR1 (ryanodine receptor 1; plus strand). Cytogenetic location: 19q13.2.
Variant type: single nucleotide variant.
Coding change: c.10525C>T on transcript NM_000540.3 (MANE Select); coding-DNA position 10525, C replaced by T.
Protein change: p.Leu3509=; no amino-acid change (leucine 3509 retained).
Molecular consequence: synonymous variant.
Genome position (GRCh38, 1-based): chr19:38,525,401, C>T. VCF-style: chr19-38525401-C-T. GRCh37 (hg19) VCF-style: chr19-39016041-C-T.
Other names: c.10510C>T, p.Leu3504= (NM_001042723.2).
Identifiers: ClinVar variation 1656170 (VCV001656170.11), dbSNP rs1425243391, ClinGen allele CA507236428.

ClinVar aggregate classification (germline): Likely benign. Review status: criteria provided, multiple submitters, no conflicts (2 of 4 stars). 3 submissions from 3 submitters: Likely benign (3). Last evaluated 2025-12-06.

Conditions:
RYR1-related disorder. Also called: RYR1-related disorders; RYR1-related condition. Identifiers: MedGen CN239331.
Malignant hyperthermia, susceptibility to, 1 (MHS1). Also called: Anesthesia related hyperthermia; Malignant hyperpyrexia; Fulminating hyperpyrexia; Pharmacogenic myopathy; Malignant hyperthermia suceptibility 1; RYR1-Related Malignant Hyperthermia Susceptibility. Identifiers: Orphanet 423, MedGen C2930980, MONDO:0007783, OMIM 145600.

Allele frequency attached by ClinVar (database versions not stated): gnomAD exomes below 0.00001; gnomAD 0.00001.
gnomAD v4.1: 26 of 1,613,918 alleles (0.0016%); highest among the groups gnomAD compares: African/African-American, 0.0027%; no homozygotes.

Submissions (3):

Labcorp Genetics (formerly Invitae), Labcorp
Classification: Likely benign for RYR1-related disorder. Last evaluated: 2025-12-06. Review status: criteria provided, single submitter. Criteria: Invitae Variant Classification Sherloc (09022015). Collection method: clinical testing. Allele origin: germline.

All of Us Research Program, National Institutes of Health
Classification: Likely benign for Malignant hyperthermia, susceptibility to, 1. Last evaluated: 2023-12-01. Review status: criteria provided, single submitter. Criteria: ACMG Guidelines, 2015. Collection method: clinical testing. Allele origin: germline. Inheritance: Autosomal dominant inheritance. Observed: 5 variant alleles, 5 heterozygotes.
Comment: This study involves interpretation of variants in research participants for the purpose of population health screening. Participant phenotype was not available at the time of variant classification. Additional details can be found in publication PMID: 35346344, PMCID: PMC8962531

Color Diagnostics, LLC DBA Color Health
Classification: Likely benign for Malignant hyperthermia, susceptibility to, 1. Last evaluated: 2022-11-06. Review status: criteria provided, single submitter. Criteria: ACMG Guidelines, 2015. Collection method: clinical testing. Allele origin: germline.